The following is an entry in ClinVar:

NM_002017.5(FLI1):c.1177G>A (p.Ala393Thr)

Gene: FLI1 (Fli-1 proto-oncogene, ETS transcription factor; plus strand). Cytogenetic location: 11q24.3.
Variant type: single nucleotide variant.
Coding change: c.1177G>A on transcript NM_002017.5 (MANE Select); coding-DNA position 1177, G replaced by A.
Protein change: p.Ala393Thr; replaces alanine 393 with threonine.
Molecular consequence: missense variant.
Genome position (GRCh38, 1-based): chr11:128,810,806, G>A. VCF-style: chr11-128810806-G-A. GRCh37 (hg19) VCF-style: chr11-128680701-G-A.
Other names: p.Ala393Thr; c.1078G>A, p.Ala360Thr (NM_001167681.3); c.979G>A, p.Ala327Thr (NM_001271010.2); c.598G>A, p.Ala200Thr (NM_001271012.2); short protein forms A200T, A327T, A360T, A393T.
Identifiers: ClinVar variation 435194 (VCV000435194.21), dbSNP rs139830377, ClinGen allele CA6357320.

ClinVar aggregate classification (germline): Likely benign. Review status: criteria provided, multiple submitters, no conflicts (2 of 4 stars). 6 submissions from 6 submitters: Likely benign (6). Last evaluated 2026-08-01.

Allele frequency attached by ClinVar (database versions not stated): ESP Exome Variant Server 0.00008; gnomAD 0.00044 and 0.00058; gnomAD exomes 0.00054 and 0.00135; TOPMed 0.00076; ExAC 0.00128; 1000 Genomes Project 0.00319; 1000 Genomes Project 30x 0.00328.
gnomAD v4.1: 868 of 1,613,968 alleles (0.054%); highest among the groups gnomAD compares: East Asian, 1.1%; 7 homozygotes.

Submissions (6):

CeGaT Center for Human Genetics Tuebingen
Classification: Likely benign. Last evaluated: 2026-08-01. Review status: criteria provided, single submitter. Criteria: CeGaT Center For Human Genetics Tuebingen Variant Classification Criteria Version 2. Collection method: clinical testing. Allele origin: germline. Affected: yes. Observed: 2 variant alleles.
Comment: FLI1: BP4, BS1

Labcorp Genetics (formerly Invitae), Labcorp
Classification: Likely benign. Last evaluated: 2026-02-02. Review status: criteria provided, single submitter. Criteria: Invitae Variant Classification Sherloc (09022015). Collection method: clinical testing. Allele origin: germline.

Mayo Clinic Laboratories, Mayo Clinic
Classification: Likely benign. Last evaluated: 2025-09-03. Review status: criteria provided, single submitter. Criteria: ACMG Guidelines, 2015. Collection method: clinical testing. Allele origin: germline. Observed: 1 variant allele.
Comment: BS1, BP4_moderate

Blueprint Genetics
Classification: Likely benign. Last evaluated: 2024-11-14. Review status: criteria provided, single submitter. Criteria: ACMG Guidelines, 2015. Collection method: clinical testing. Allele origin: germline.

Genetic Services Laboratory, University of Chicago
Classification: Likely benign. Last evaluated: 2016-12-15. Review status: criteria provided, single submitter. Criteria: ACMG Guidelines, 2015. Collection method: clinical testing. Allele origin: germline. Affected: no.

Breakthrough Genomics
Classification: Likely benign. Review status: criteria provided, single submitter. Criteria: ACMG Guidelines, 2015. Collection method: not provided. Allele origin: germline. Inheritance: Autosomal dominant inheritance. Affected: yes.